The following is an entry in ClinVar:

NM_015015.3(KDM4B):c.2440_2441+1del

Gene: KDM4B (lysine demethylase 4B; plus strand). Cytogenetic location: 19p13.3.
Variant type: Microsatellite.
Coding change: c.2440_2441+1del on transcript NM_015015.3 (MANE Select); coding-DNA position 2440 through the canonical splice donor site of the intron after coding-DNA position 2441, 3 bases deleted (AGG; older notation c.2440_2441+1delAGG).
Molecular consequence: splice donor variant.
Genome position (GRCh38, 1-based): chr19:5,137,675-5,137,677, AGG deleted; deleting any 3 consecutive bases within chr19:5,137,672-5,137,677 gives the same sequence; the c. name uses the placement nearest the transcript's 3' end. VCF-style (leftmost placement, unchanged base first): chr19-5137671-TAGG-T. GRCh37 (hg19) VCF-style: chr19-5137682-TAGG-T.
Identifiers: ClinVar variation 1679582 (VCV001679582.1), dbSNP rs1231991589, ClinGen allele CA631594886.

ClinVar aggregate classification (germline): Likely pathogenic (1 of 4 stars; one submission).

Conditions:
Intellectual developmental disorder, autosomal dominant 65. Also called: MENTAL RETARDATION, AUTOSOMAL DOMINANT 65. Identifiers: MedGen C5543371, MONDO:0023657, OMIM 619320.

Submission:

New York Genome Center
Classification: Likely pathogenic for Intellectual developmental disorder, autosomal dominant 65. Last evaluated: 2021-05-28. Review status: criteria provided, single submitter. Criteria: NYGC Assertion Criteria 2020. Collection method: clinical testing. Allele origin: germline. Observed: 1 heterozygote. Study: CSER-NYCKidSeq.
Comment: The heterozygous in-frame deletion c.2440_2441+1del, p.Arg814fs in the KDM4B gene has not been reported in individuals with autosomal dominant intellectual developmental disorder-65. The variant has one heterozygote in the gnomAD v3.1.1 database, indicating a rare allele. The variant abolishes the canonical splice site (+1) of exon 17 and may create a premature translational stop signal downstream and in silico tools predict a deleterious effect. Based on the available evidence, the variant c.2440_2441+1del, p.Arg814fs in the KDM4B gene is classified as likely pathogenic.